The following is an entry in ClinVar:

ClinVar aggregate classification (germline): Uncertain significance (1 of 4 stars; one submission).

Conditions:
Ehlers-Danlos syndrome, classic type, 2 (EDSCL2). Also called: Ehlers-Danlos Syndrome, Classic Type, COL5A2-Related; Ehlers-Danlos syndrome, type 2; Ehlers-Danlos syndrome type 2 (formerly). Identifiers: Orphanet 287, Orphanet 90318, MedGen C0268336, MONDO:0019568, OMIM 130010.

Submission:

3billion
Classification: Uncertain significance for Ehlers-Danlos syndrome, classic type, 2. Last evaluated: 2025-12-16. Review status: criteria provided, single submitter. Criteria: ACMG Guidelines, 2015. Collection method: clinical testing. Allele origin: germline. Affected: yes.
Comment: The variant is not observed in the gnomAD v4.1.0 dataset. Predicted Consequence/Location: Missense variant In silico tool predictions suggest damaging effect of the variant on gene or gene product [REVEL: 0.94 (>=0.6, sensitivity 0.68 and specificity 0.92)]. Different missense changes at the same codon have been reported as of uncertain significance (ClinVar ID: VCV004088064). Therefore, this variant is classified as VUS according to the recommendation of ACMG/AMP guideline.

NM_000393.5(COL5A2):c.2860G>A (p.Gly954Arg)

Gene: COL5A2 (collagen type V alpha 2 chain; minus strand). Cytogenetic location: 2q32.2.
Variant type: single nucleotide variant.
Coding change: c.2860G>A on transcript NM_000393.5 (MANE Select); coding-DNA position 2860, G replaced by A.
Protein change: p.Gly954Arg; replaces glycine 954 with arginine.
Molecular consequence: missense variant.
Genome position (GRCh38, 1-based): chr2:189,051,391, C>T on the plus strand (G>A on the coding strand, the complement: COL5A2 is on the minus strand). VCF-style: chr2-189051391-C-T. GRCh37 (hg19) VCF-style: chr2-189916117-C-T.
Other names: short protein forms G954R.
Identifiers: ClinVar variation 4855861 (VCV004855861.1).